The following is an entry in ClinVar:

ClinVar aggregate classification (germline): Conflicting classifications of pathogenicity. Review status: criteria provided, conflicting classifications (1 of 4 stars). 12 submissions from 12 submitters: Uncertain significance (11); Likely benign (1). Last evaluated 2025-10-30.

Conditions:
Hereditary nonpolyposis colorectal neoplasms. Identifiers: MedGen C0009405, MeSH D003123.
Hereditary cancer-predisposing syndrome. Also called: Neoplastic Syndromes, Hereditary; Tumor predisposition; Hereditary Cancer Syndrome; Hereditary neoplastic syndrome. Identifiers: Orphanet 140162, MedGen C0027672, MeSH D009386, MONDO:0015356.
Lynch syndrome. Identifiers: Orphanet 144, MedGen C4552100, MONDO:0005835. Disease mechanism: loss of function.
Endometrial carcinoma. Also called: Endometrial carcinoma, somatic. Identifiers: MedGen C0476089, MONDO:0002447, OMIM 608089, HP:0012114.
Mismatch repair cancer syndrome 1 (MMRCS1). Also called: BRAIN TUMOR-POLYPOSIS SYNDROME 1; BTP1 SYNDROME; CHILDHOOD CANCER SYNDROME; MISMATCH REPAIR DEFICIENCY; MMR DEFICIENCY. Identifiers: Orphanet 252202, MedGen C5399763, MONDO:0010159, OMIM 276300. Disease mechanism: loss of function.
Lynch syndrome 5 (LYNCH5). Also called: Colorectal cancer, hereditary nonpolyposis, type 5; Hereditary non-polyposis colorectal cancer, type 5. Identifiers: Orphanet 144, MedGen C1833477, MONDO:0013710, OMIM 614350. Disease mechanism: loss of function.

Allele frequency attached by ClinVar (database versions not stated): ExAC 0.00002; gnomAD 0.00002; gnomAD exomes 0.00002; TOPMed 0.00002.
gnomAD v4.1: 26 of 1,599,736 alleles (0.0016%); highest among the groups gnomAD compares: Non-Finnish European, 0.0022%; no homozygotes.

Submissions (12):

Labcorp Genetics (formerly Invitae), Labcorp
Classification: Likely benign for Hereditary nonpolyposis colorectal neoplasms. Last evaluated: 2025-10-30. Review status: criteria provided, single submitter. Criteria: Invitae Variant Classification Sherloc (09022015). Collection method: clinical testing. Allele origin: germline.

Center for Genomic Medicine, Rigshospitalet, Copenhagen University Hospital
Classification: Uncertain significance. Last evaluated: 2025-03-04. Review status: criteria provided, single submitter. Criteria: ACMG Guidelines, 2015. Collection method: clinical testing. Allele origin: germline.

Color Diagnostics, LLC DBA Color Health
Classification: Uncertain significance for Hereditary cancer-predisposing syndrome. Last evaluated: 2024-07-18. Review status: criteria provided, single submitter. Criteria: ACMG Guidelines, 2015. Collection method: clinical testing. Allele origin: germline.
Comment: This missense variant replaces glycine with aspartic acid at codon 1186 of the MSH6 protein. Computational prediction suggests that this variant may have deleterious impact on protein structure and function (internally defined REVEL score threshold >= 0.7, PMID: 27666373). To our knowledge, functional studies have not been performed for this variant. This variant has not been reported in individuals affected with Lynch syndrome or colorectal cancer cancer in the literature. This variant has been observed in an individual affected with Barrett's esophagus, whose sister was affected with esophageal cancer (PMID: 32251017). In a large breast cancer case-control study, this variant has been observed in 2/60466 cases and 0/53461 unaffected controls (PMID: 33471991). This variant has been identified in 5/249444 chromosomes in the general population by the Genome Aggregation Database (gnomAD). The available evidence is insufficient to determine the role of this variant in disease conclusively. Therefore, this variant is classified as a Variant of Uncertain Significance.

Ambry Genetics
Classification: Uncertain significance for Hereditary cancer-predisposing syndrome. Last evaluated: 2024-05-18. Review status: criteria provided, single submitter. Criteria: Ambry Variant Classification Scheme 2023. Collection method: clinical testing. Allele origin: germline.
Comment: The p.G1186D variant (also known as c.3557G>A), located in coding exon 7 of the MSH6 gene, results from a G to A substitution at nucleotide position 3557. The glycine at codon 1186 is replaced by aspartic acid, an amino acid with similar properties. This change occurs in the first base pair of coding exon 7. RNA studies have demonstrated that this alteration does not result in abnormal splicing in the set of samples tested (Ambry internal data). This amino acid position is highly conserved in available vertebrate species. In addition, this alteration is predicted to be deleterious by in silico analysis. Since supporting evidence is limited at this time, the clinical significance of this alteration remains unclear.

All of Us Research Program, National Institutes of Health
Classification: Uncertain significance for Lynch syndrome. Last evaluated: 2023-11-30. Review status: criteria provided, single submitter. Criteria: ACMG Guidelines, 2015. Collection method: clinical testing. Allele origin: germline. Inheritance: Autosomal dominant inheritance. Observed: 6 variant alleles, 6 heterozygotes.
Comment: This missense variant replaces glycine with aspartic acid at codon 1186 of the MSH6 protein. Computational prediction suggests that this variant may have deleterious impact on protein structure and function (internally defined REVEL score threshold >= 0.7, PMID: 27666373). To our knowledge, functional studies have not been performed for this variant. This variant has not been reported in individuals affected with Lynch syndrome or colorectal cancer cancer in the literature. In a large breast cancer case-control study, This variant has been observed in 2/60466 cases and 0/53461 unaffected controls (PMID: 33471991). This variant has been identified in 5/249444 chromosomes in the general population by the Genome Aggregation Database (gnomAD). The available evidence is insufficient to determine the role of this variant in disease conclusively. Therefore, this variant is classified as a Variant of Uncertain Significance.

This study involves interpretation of variants in research participants for the purpose of population health screening. Participant phenotype was not available at the time of variant classification. Additional details can be found in publication PMID: 35346344, PMCID: PMC8962531

Baylor Genetics
Classification: Uncertain significance for Endometrial carcinoma. Last evaluated: 2023-10-30. Review status: criteria provided, single submitter. Criteria: ACMG Guidelines, 2015. Collection method: clinical testing. Allele origin: unknown.

Women's Health and Genetics/Laboratory Corporation of America, LabCorp
Classification: Uncertain significance. Last evaluated: 2023-08-04. Review status: criteria provided, single submitter. Criteria: LabCorp Variant Classification Summary - May 2015. Collection method: clinical testing. Allele origin: germline.
Comment: Variant summary: MSH6 c.3557G>A (p.Gly1186Asp) results in a non-conservative amino acid change located in the DNA mismatch repair protein MutS, C-terminal domain (IPR000432) of the encoded protein sequence. Five of five in-silico tools predict a damaging effect of the variant on protein function. Two computational tools predict no significant impact on normal splicing and 2 predict the variant weakens the canonical 3' acceptor splice site. However, these predictions have yet to be confirmed by functional studies. The variant allele was found at a frequency of 2e-05 in 249444 control chromosomes (gnomAD). The available data on variant occurrences in the general population are insufficient to allow any conclusion about variant significance. c.3557G>A has been reported in the literature in individuals affected with Colorectal Cancer (Gordon_2019), Esophageal Cancer (Rubenstein_2020) and Breast Cancer (Dorling_2021). These reports do not provide unequivocal conclusions about association of the variant with Lynch Syndrome. To our knowledge, no experimental evidence demonstrating an impact on protein function has been reported. The following publications have been ascertained in the context of this evaluation (PMID: 31422818, 32251017, 33471991). Eight ClinVar submitters have assessed the variant since 2014, and all submitters classified the variant as uncertain significance. Based on the evidence outlined above, the variant was classified as uncertain significance.

Quest Diagnostics Nichols Institute San Juan Capistrano
Classification: Uncertain significance. Last evaluated: 2023-05-25. Review status: criteria provided, single submitter. Criteria: Quest Diagnostics criteria. Collection method: clinical testing. Allele origin: unknown.
Comment: In the published literature, this variant has been reported in an individual with Barrett’s esophagus and a family history of esophageal cancer in a first degree relative (PMID: 32251017 (2020)) and in an individual with colon polyps or colorectal cancer (PMID: 31422818 (2019)). In a large-scale breast cancer association study, the variant was observed in breast cancer cases and not among unaffected individuals (PMID: 33471991 (2021), see also LOVD). The frequency of this variant in the general population, 0.000044 (5/112648 chromosomes (Genome Aggregation Database)), is uninformative in the assessment of its pathogenicity. Analysis of this variant using bioinformatics tools for the prediction of the effect of amino acid changes on protein structure and function yielded predictions that this variant is damaging. Based on the available information, we are unable to determine the clinical significance of this variant.

Sema4
Classification: Uncertain significance for Hereditary cancer-predisposing syndrome. Last evaluated: 2021-11-02. Review status: criteria provided, single submitter. Criteria: Sema4 Curation Guidelines. Collection method: curation. Allele origin: germline.
Comment: The MSH6 c.3557G>A (p.G1186D) variant has been reported in at least one individual with colorectal cancer (PMID: 31422818). This variant has also been reported in 2/60466 breast cancer cases and 0/53461 healthy controls by a large case-control study (PMID: 33471991). It was observed in 5/112648 chromosomes of the Non-Finnish European subpopulation in the large and broad cohorts of the Genome Aggregation Database (PMID: 32461654). The variant has been reported in ClinVar (Variation ID 141364). In silico tools suggest the impact of the variant on protein function is deleterious, though these predictions have not been confirmed by functional studies. In addition, the variant is located at the first nucleotide of exon 7 of the MSH6 gene. Algorithms developed to predict the effect of sequence changes on RNA splicing have inconclusive predictions about the impact of this variant on splicing, though these predictions have not been confirmed by transcriptional studies. The evidence is insufficient to meet ACMG/AMP criteria for classifying the variant as benign or pathogenic. Thus, the clinical significance of this variant is currently uncertain.

Fulgent Genetics
Classification: Uncertain significance for Mismatch repair cancer syndrome 1; Endometrial carcinoma; Lynch syndrome 5. Last evaluated: 2018-10-31. Review status: criteria provided, single submitter. Criteria: ACMG Guidelines, 2015. Collection method: clinical testing. Allele origin: unknown.

GeneDx
Classification: Uncertain significance. Last evaluated: 2018-03-01. Review status: criteria provided, single submitter. Criteria: GeneDx Variant Classification (06012015). Collection method: clinical testing. Allele origin: germline. Affected: yes.
Comment: This variant is denoted MSH6 c.3557G>A at the cDNA level, p.Gly1186Asp (G1186D) at the protein level, and results in the change of a Glycine to an Aspartic Acid (GGT>GAT). This variant has not, to our knowledge, been published in the literature as pathogenic or benign. MSH6 Gly1186Asp was not observed at a significant allele frequency in large population cohorts (Lek 2016). This variant is located in the ATPase domain (Warren 2007, Kansikas 2011). Protein-based in silico analysis, which includes protein predictors and evolutionary conservation, supports a deleterious effect. In addition, multiple splicing models predict that this variant may destroy the nearby natural splice site. However, in the absence of RNA or functional studies, the actual effect of this variant is unknown. Based on currently available evidence, it is unclear whether MSH6 Gly1186Asp is a pathogenic or benign variant. We consider it to be a variant of uncertain significance.

Laboratory for Molecular Medicine, Mass General Brigham Personalized Medicine
Classification: Uncertain significance. Last evaluated: 2017-01-25. Review status: criteria provided, single submitter. Criteria: LMM Criteria. Collection method: clinical testing. Allele origin: germline. Observed: 1 variant allele.
Comment: The p.Gly1186Asp variant in MSH6 has not been previously reported in individuals with Lynch syndrome but has been identified in 3/66564 of European chromosomes by the Exome Aggregation Consortium (ExAC; dbSNP rs587781690). This variant is located in the first base of the exon, which is part of the 3? splice region. Splicing prediction tools do not suggest altered s plicing and computational prediction tools and conservation analysis suggest tha t the p.Gly1186Asp variant may impact the protein, though this information is no t predictive enough to determine pathogenicity. In summary, the clinical signifi cance of the p.Gly1186Asp variant is uncertain.

Literature cited by the submitters: PubMed 32251017 (cited by 5 submitters); PubMed 33471991 (cited by 5 submitters); PubMed 31422818 (cited by 3 submitters).

NM_000179.3(MSH6):c.3557G>A (p.Gly1186Asp)

Gene: MSH6 (mutS homolog 6; plus strand). Cytogenetic location: 2p16.3.
Variant type: single nucleotide variant.
Coding change: c.3557G>A on transcript NM_000179.3 (MANE Select); coding-DNA position 3557, G replaced by A.
Protein change: p.Gly1186Asp; replaces glycine 1186 with aspartic acid.
Molecular consequence: missense variant.
Genome position (GRCh38, 1-based): chr2:47,805,618, G>A. VCF-style: chr2-47805618-G-A. GRCh37 (hg19) VCF-style: chr2-48032757-G-A.
Other names: c.3167G>A, p.Gly1056Asp (NM_001281492.2); c.2651G>A, p.Gly884Asp (NM_001281493.2, NM_001281494.2); short protein forms G1186D, G884D, G1056D.
Identifiers: ClinVar variation 141364 (VCV000141364.33), dbSNP rs587781690, ClinGen allele CA013435.